The following is an entry in ClinVar:

NM_012330.4(KAT6B):c.5767A>G (p.Ile1923Val)

Gene: KAT6B (lysine acetyltransferase 6B; plus strand). Cytogenetic location: 10q22.2.
Variant type: single nucleotide variant.
Coding change: c.5767A>G on transcript NM_012330.4 (MANE Select); coding-DNA position 5767, A replaced by G.
Protein change: p.Ile1923Val; replaces isoleucine 1923 with valine.
Molecular consequence: missense variant.
Genome position (GRCh38, 1-based): chr10:75,030,591, A>G. VCF-style: chr10-75030591-A-G. GRCh37 (hg19) VCF-style: chr10-76790349-A-G.
Other names: c.4891A>G, p.Ile1631Val (NM_001256469.2, NM_001370139.1, NM_001370140.1 and 2 more transcripts); c.4729A>G, p.Ile1577Val (NM_001370132.1); c.4078A>G, p.Ile1360Val (NM_001370133.1); c.3682A>G, p.Ile1228Val (NM_001370134.1); c.3424A>G, p.Ile1142Val (NM_001370135.1); c.5767A>G, p.Ile1923Val (NM_001370136.1, NM_001370137.1); c.5218A>G, p.Ile1740Val (NM_001370138.1, NM_001256468.2); c.4702A>G, p.Ile1568Val (NM_001370143.1, NM_001370144.1); short protein forms I1228V, I1740V, I1631V, I1923V, I1142V, I1360V, I1568V, I1577V.
Identifiers: ClinVar variation 4751327 (VCV004751327.1).

ClinVar aggregate classification (germline): Uncertain significance (1 of 4 stars; one submission).

Conditions:
Genitopatellar syndrome (GTPTS). Also called: Genitopatellar syndrome (GPS); ABSENT PATELLAE, SCROTAL HYPOPLASIA, RENAL ANOMALIES, FACIAL DYSMORPHISM, AND MENTAL RETARDATION. Identifiers: Orphanet 85201, MedGen C1853566, MONDO:0011640, OMIM 606170.

Submission:

Labcorp Genetics (formerly Invitae), Labcorp
Classification: Uncertain significance for Genitopatellar syndrome. Last evaluated: 2025-04-26. Review status: criteria provided, single submitter. Criteria: Invitae Variant Classification Sherloc (09022015). Collection method: clinical testing. Allele origin: germline.
Comment: This sequence change replaces isoleucine, which is neutral and non-polar, with valine, which is neutral and non-polar, at codon 1923 of the KAT6B protein (p.Ile1923Val). This variant is present in population databases (no rsID available, gnomAD 0.0009%). This variant has not been reported in the literature in individuals affected with KAT6B-related conditions. An algorithm developed to predict the effect of missense changes on protein structure and function outputs the following: PolyPhen-2: "Benign". The valine amino acid residue is found in multiple mammalian species, which suggests that this missense change does not adversely affect protein function. In summary, the available evidence is currently insufficient to determine the role of this variant in disease. Therefore, it has been classified as a Variant of Uncertain Significance.